The following is an entry in ClinVar:

NM_017564.10(STAB2):c.758C>T (p.Thr253Met)

Gene: STAB2 (stabilin 2; plus strand). Cytogenetic location: 12q23.3.
Variant type: single nucleotide variant.
Coding change: c.758C>T on transcript NM_017564.10 (MANE Select); coding-DNA position 758, C replaced by T.
Protein change: p.Thr253Met; replaces threonine 253 with methionine.
Molecular consequence: missense variant.
Genome position (GRCh38, 1-based): chr12:103,638,064, C>T. VCF-style: chr12-103638064-C-T. GRCh37 (hg19) VCF-style: chr12-104031842-C-T.
Other names: short protein forms T253M.
Identifiers: ClinVar variation 714544 (VCV000714544.27), dbSNP rs74580351, ClinGen allele CA6749955.

ClinVar aggregate classification (germline): Likely benign. Review status: criteria provided, multiple submitters, no conflicts (2 of 4 stars). 2 submissions from 2 submitters: Likely benign (2). Last evaluated 2022-09-01.

Allele frequency attached by ClinVar (database versions not stated): gnomAD exomes 0.00018 and 0.00046; ExAC 0.00065; 1000 Genomes Project 0.00200; gnomAD 0.00206 and 0.00225; TOPMed 0.00219; 1000 Genomes Project 30x 0.00234; ESP Exome Variant Server 0.00238.
gnomAD v4.1: 587 of 1,614,172 alleles (0.036%); highest among the groups gnomAD compares: African/African-American, 0.69%; 3 homozygotes.

Submissions (2):

CeGaT Center for Human Genetics Tuebingen
Classification: Likely benign. Last evaluated: 2022-09-01. Review status: criteria provided, single submitter. Criteria: CeGaT Center For Human Genetics Tuebingen Variant Classification Criteria Version 2. Collection method: clinical testing. Allele origin: germline. Affected: yes. Observed: 1 variant allele.
Comment: STAB2: BP4

Labcorp Genetics (formerly Invitae), Labcorp
Classification: Likely benign. Last evaluated: 2018-05-08. Review status: criteria provided, single submitter. Criteria: Invitae Variant Classification Sherloc (09022015). Collection method: clinical testing. Allele origin: germline.